The following is an entry in ClinVar:

NM_004655.4(AXIN2):c.1891A>G (p.Lys631Glu)

Gene: AXIN2 (axin 2; minus strand). Cytogenetic location: 17q24.1.
Variant type: single nucleotide variant.
Coding change: c.1891A>G on transcript NM_004655.4 (MANE Select); coding-DNA position 1891, A replaced by G.
Protein change: p.Lys631Glu; replaces lysine 631 with glutamic acid.
Molecular consequence: missense variant. On other transcripts: intron variant (1).
Genome position (GRCh38, 1-based): chr17:65,536,885, T>C on the plus strand (A>G on the coding strand, the complement: AXIN2 is on the minus strand). VCF-style: chr17-65536885-T-C. GRCh37 (hg19) VCF-style: chr17-63533003-T-C.
Other names: c.1713-332A>G (NM_001363813.1); c.1891A>G (LRG_296t1); short protein forms K631E.
Identifiers: ClinVar variation 464578 (VCV000464578.9), dbSNP rs1555577360, ClinGen allele CA400676402.

ClinVar aggregate classification (germline): Uncertain significance. Review status: criteria provided, multiple submitters, no conflicts (2 of 4 stars). 2 submissions from 2 submitters: Uncertain significance (2). Last evaluated 2025-08-28.

Conditions:
Hereditary cancer-predisposing syndrome. Also called: Neoplastic Syndromes, Hereditary; Tumor predisposition; Hereditary Cancer Syndrome; Hereditary neoplastic syndrome. Identifiers: Orphanet 140162, MedGen C0027672, MeSH D009386, MONDO:0015356.
Oligodontia-cancer predisposition syndrome. Also called: TOOTH AGENESIS-COLORECTAL CANCER SYNDROME. Identifiers: Orphanet 300576, MedGen C1837750, MONDO:0012075, OMIM 608615. Disease mechanism: loss of function.

Submissions (2):

Labcorp Genetics (formerly Invitae), Labcorp
Classification: Uncertain significance for Oligodontia-cancer predisposition syndrome. Last evaluated: 2025-08-28. Review status: criteria provided, single submitter. Criteria: Invitae Variant Classification Sherloc (09022015). Collection method: clinical testing. Allele origin: germline.
Comment: This sequence change replaces lysine, which is basic and polar, with glutamic acid, which is acidic and polar, at codon 631 of the AXIN2 protein (p.Lys631Glu). This variant is not present in population databases (gnomAD no frequency). This variant has not been reported in the literature in individuals affected with AXIN2-related conditions. ClinVar contains an entry for this variant (Variation ID: 464578). Invitae Evidence Modeling of protein sequence and biophysical properties (such as structural, functional, and spatial information, amino acid conservation, physicochemical variation, residue mobility, and thermodynamic stability) indicates that this missense variant is not expected to disrupt AXIN2 protein function with a negative predictive value of 80%. In summary, the available evidence is currently insufficient to determine the role of this variant in disease. Therefore, it has been classified as a Variant of Uncertain Significance.

Ambry Genetics
Classification: Uncertain significance for Hereditary cancer-predisposing syndrome. Last evaluated: 2024-09-25. Review status: criteria provided, single submitter. Criteria: Ambry Variant Classification Scheme 2023. Collection method: clinical testing. Allele origin: germline.
Comment: The p.K631E variant (also known as c.1891A>G), located in coding exon 6 of the AXIN2 gene, results from an A to G substitution at nucleotide position 1891. The lysine at codon 631 is replaced by glutamic acid, an amino acid with similar properties. This amino acid position is conserved. In addition, the in silico prediction for this alteration is inconclusive. Based on the available evidence, the clinical significance of this variant remains unclear.